The following is an entry in ClinVar:

NM_014391.3(ANKRD1):c.553-6_553-1dup

Gene: ANKRD1 (ankyrin repeat domain 1; minus strand). Cytogenetic location: 10q23.31.
Variant type: Duplication.
Coding change: c.553-6_553-1dup on transcript NM_014391.3 (MANE Select); 6 bases into the intron before coding-DNA position 553 through the canonical splice acceptor site of the intron before coding-DNA position 553, 6 bases duplicated (GTATAG; older notation c.553-6_553-1dupGTATAG).
Molecular consequence: splice acceptor variant.
Genome position (GRCh38, 1-based): chr10:90,916,270-90,916,275, CTATAC duplicated on the plus strand (GTATAG on the coding strand, the reverse complement: ANKRD1 is on the minus strand); duplicating any 6 consecutive bases within chr10:90,916,270-90,916,276 gives the same sequence; the c. name uses the placement nearest the transcript's 3' end. VCF-style (leftmost placement, unchanged base first): chr10-90916269-G-GCTATAC. GRCh37 (hg19) VCF-style: chr10-92676026-G-GCTATAC.
Identifiers: ClinVar variation 1748165 (VCV001748165.6), dbSNP rs775666061, ClinGen allele CA5598687.

ClinVar aggregate classification (germline): Uncertain significance. Review status: criteria provided, multiple submitters, no conflicts (2 of 4 stars). 2 submissions from 2 submitters: Uncertain significance (2). Last evaluated 2024-06-24.

Conditions:
Cardiovascular phenotype. Identifiers: MedGen CN230736.
ANKRD1-related dilated cardiomyopathy. Identifiers: MedGen CN119551.

Submissions (2):

Ambry Genetics
Classification: Uncertain significance for Cardiovascular phenotype. Last evaluated: 2024-06-24. Review status: criteria provided, single submitter. Criteria: Ambry Variant Classification Scheme 2023. Collection method: clinical testing. Allele origin: germline.
Comment: The c.553-6_553-1dupGTATAG intronic variant, results from a duplication of 6 nucleotides between positions c.553-6 and c.553-1 before codon exon 6 of the ANKRD1 gene. These nucleotide positions are not well conserved in available vertebrate species. In silico splice site analysis predicts that this alteration may weaken the native splice acceptor site, and may result in the creation or strengthening of a novel splice acceptor site. Alterations that disrupt the canonical splice site are expected to cause aberrant splicing, resulting in an abnormal protein or a transcript that is subject to nonsense-mediated mRNA decay. However, loss of function of ANKRD1 has not been established as a mechanism of disease. The evidence for this gene-disease relationship is limited; therefore, the clinical significance of this alteration is unclear.

Labcorp Genetics (formerly Invitae), Labcorp
Classification: Uncertain significance for ANKRD1-related dilated cardiomyopathy. Last evaluated: 2024-04-19. Review status: criteria provided, single submitter. Criteria: Invitae Variant Classification Sherloc (09022015). Collection method: clinical testing. Allele origin: germline.
Comment: This sequence change falls in intron 5 of the ANKRD1 gene. It does not directly change the encoded amino acid sequence of the ANKRD1 protein. This variant is present in population databases (rs775666061, gnomAD 0.007%). This variant has not been reported in the literature in individuals affected with ANKRD1-related conditions. ClinVar contains an entry for this variant (Variation ID: 1748165). Experimental studies and prediction algorithms are not available or were not evaluated, and the effect of this variant on mRNA splicing is currently unknown. In summary, the available evidence is currently insufficient to determine the role of this variant in disease. Therefore, it has been classified as a Variant of Uncertain Significance.